The following is an entry in ClinVar:

ClinVar aggregate classification (germline): Uncertain significance (1 of 4 stars; one submission).

Submission:

Ambry Genetics
Classification: Uncertain significance. Last evaluated: 2025-08-29. Review status: criteria provided, single submitter. Criteria: Ambry Variant Classification Scheme 2023. Collection method: clinical testing. Allele origin: germline.
Comment: The c.313_314ins32 variant, located in coding exon 1 of the PALLD gene, results from an insertion of 32 nucleotides at position 313, causing a translational frameshift with a predicted alternate stop codon (p.P105Hfs*87). The evidence for this gene-disease relationship is limited; therefore, the clinical significance of this alteration is unclear.

NM_001166108.2(PALLD):c.1965-12718_1965-12717insACGACGTGTTCCCACTGCCGCCTTCCCGGTGC

Gene: PALLD (palladin, cytoskeletal associated protein; plus strand). Cytogenetic location: 4q32.3.
Variant type: Insertion.
Coding change: c.1965-12718_1965-12717insACGACGTGTTCCCACTGCCGCCTTCCCGGTGC on transcript NM_001166108.2 (MANE Select); 12718 bases into the intron before coding-DNA position 1965 through 12717 bases into the intron before coding-DNA position 1965, ACGACGTGTTCCCACTGCCGCCTTCCCGGTGC inserted.
Molecular consequence: intron variant. On other transcripts: frameshift variant (1).
Genome position: GRCh38: chr4:168,878,204-168,878,205. GRCh37 (hg19): chr4:169,799,355-169,799,356.
Other names: c.-157-12718_-157-12717insACGACGTGTTCCCACTGCCGCCTTCCCGGTGC (NM_001367570.1, NM_001367568.1, NM_001367567.1 and 1 more transcripts); c.313_314insACGACGTGTTCCCACTGCCGCCTTCCCGGTGC, p.Pro105fs (NM_001166110.2); c.1965-12718_1965-12717insACGACGTGTTCCCACTGCCGCCTTCCCGGTGC (NM_016081.4); c.819-12718_819-12717insACGACGTGTTCCCACTGCCGCCTTCCCGGTGC (NM_001166109.2); short protein forms P105fs.
Identifiers: ClinVar variation 4130438 (VCV004130438.1).